The following is an entry in ClinVar:

NM_001203.3(BMPR1B):c.*3328A>G

Gene: BMPR1B (bone morphogenetic protein receptor type 1B; plus strand). Cytogenetic location: 4q22.3.
Variant type: single nucleotide variant.
Coding change: c.*3328A>G on transcript NM_001203.3 (MANE Select); 3328 bases downstream of the stop codon, A replaced by G.
Molecular consequence: 3 prime UTR variant.
Genome position (GRCh38, 1-based): chr4:95,158,001, A>G. VCF-style: chr4-95158001-A-G. GRCh37 (hg19) VCF-style: chr4-96079152-A-G.
Other names: c.*3328A>G (NM_001256792.2, NM_001256793.2, NM_001256794.1).
Identifiers: ClinVar variation 350179 (VCV000350179.5), dbSNP rs7676885, ClinGen allele CA10618688.

ClinVar aggregate classification (germline): Benign (1 of 4 stars; one submission).

Conditions:
Brachydactyly. Also called: Brachydactyly syndrome; Brachydactyly (disease). Identifiers: MedGen C0221357, MONDO:0021004, HP:0001156.

Allele frequency attached by ClinVar (database versions not stated): gnomAD 0.02183 and 0.02335; TOPMed 0.02334; 1000 Genomes Project 0.02616; 1000 Genomes Project 30x 0.02655.

Submission:

Illumina Laboratory Services, Illumina
Classification: Benign for Brachydactyly. Last evaluated: 2018-01-12. Review status: criteria provided, single submitter. Criteria: ICSL Variant Classification Criteria 13 December 2019. Collection method: clinical testing. Allele origin: germline.
Comment: This variant was observed in the ICSL laboratory as part of a predisposition screen in an ostensibly healthy population. It had not been previously curated by ICSL or reported in the Human Gene Mutation Database (HGMD: prior to June 1st, 2018), and was therefore a candidate for classification through an automated scoring system. Utilizing variant allele frequency, disease prevalence and penetrance estimates, and inheritance mode, an automated score was calculated to assess if this variant is too frequent to cause the disease. Based on the score and internal cut-off values, a variant classified as benign is not then subjected to further curation. The score for this variant resulted in a classification of benign for this disease.